The following is an entry in ClinVar:

ClinVar aggregate classification (germline): Uncertain significance (1 of 4 stars; one submission).

Allele frequency attached by ClinVar (database versions not stated): gnomAD exomes below 0.00001.
gnomAD v4.1: 1 of 1,609,738 alleles (0.000062%); highest among the groups gnomAD compares: Non-Finnish European, 0.000085%; no homozygotes.

Submission:

GeneDx
Classification: Uncertain significance. Last evaluated: 2021-03-26. Review status: criteria provided, single submitter. Criteria: GeneDx Variant Classification Process June 2021. Collection method: clinical testing. Allele origin: germline. Affected: yes.
Comment: Not observed in large population cohorts (Lek et al., 2016); In silico analysis supports that this missense variant does not alter protein structure/function; Has not been previously published as pathogenic or benign to our knowledge

NM_006494.4(ERF):c.626C>G (p.Pro209Arg)

Gene: ERF (ETS2 repressor factor; minus strand). Cytogenetic location: 19q13.2.
Variant type: single nucleotide variant.
Coding change: c.626C>G on transcript NM_006494.4 (MANE Select); coding-DNA position 626, C replaced by G.
Protein change: p.Pro209Arg; replaces proline 209 with arginine.
Molecular consequence: missense variant.
Genome position (GRCh38, 1-based): chr19:42,249,486, G>C on the plus strand (C>G on the coding strand, the complement: ERF is on the minus strand). VCF-style: chr19-42249486-G-C. GRCh37 (hg19) VCF-style: chr19-42753638-G-C.
Other names: c.401C>G, p.Pro134Arg (NM_001301035.2, NM_001308402.2, NM_001312656.2); short protein forms P134R, P209R.
Identifiers: ClinVar variation 1314269 (VCV001314269.2), dbSNP rs2146950163, ClinGen allele CA406111340.